The following is an entry in ClinVar:

ClinVar aggregate classification (germline): Uncertain significance (1 of 4 stars; one submission).

Conditions:
KSR2-related disorder. Also called: KSR2-related condition.

gnomAD v4.1: 1 of 1,613,430 alleles (0.000062%); highest among the groups gnomAD compares: Non-Finnish European, 0.000085%; no homozygotes.

Submission:

PreventionGenetics, part of Exact Sciences
Classification: Uncertain significance for KSR2-related condition. Last evaluated: 2024-11-18. Review status: criteria provided, single submitter. Criteria: ACMG Guidelines, 2015. Collection method: clinical testing. Allele origin: germline.
Comment: The KSR2 c.2713C>G variant is predicted to result in the amino acid substitution p.Arg905Gly. To our knowledge, this variant has not been reported in the literature. This variant is reported in 0.0065% of alleles in individuals of European (Non-Finnish) descent in gnomAD. At this time, the clinical significance of this variant is uncertain due to the absence of conclusive functional and genetic evidence.

NM_173598.6(KSR2):c.2800C>G (p.Arg934Gly)

Gene: KSR2 (kinase suppressor of ras 2; minus strand). Cytogenetic location: 12q24.22.
Variant type: single nucleotide variant.
Coding change: c.2800C>G on transcript NM_173598.6 (MANE Select); coding-DNA position 2800, C replaced by G.
Protein change: p.Arg934Gly; replaces arginine 934 with glycine.
Molecular consequence: missense variant.
Genome position (GRCh38, 1-based): chr12:117,469,708, G>C on the plus strand (C>G on the coding strand, the complement: KSR2 is on the minus strand). VCF-style: chr12-117469708-G-C. GRCh37 (hg19) VCF-style: chr12-117907513-G-C.
Other names: short protein forms R934G.
Identifiers: ClinVar variation 5002306 (VCV005002306.1).